The following is an entry in ClinVar:

ClinVar aggregate classification (germline): Pathogenic (1 of 4 stars; one submission).

Submission:

Labcorp Genetics (formerly Invitae), Labcorp
Classification: Pathogenic. Last evaluated: 2024-11-05. Review status: criteria provided, single submitter. Criteria: Invitae Variant Classification Sherloc (09022015). Collection method: clinical testing. Allele origin: germline.
Comment: This sequence change creates a premature translational stop signal (p.Glu279*) in the FAT4 gene. It is expected to result in an absent or disrupted protein product. Loss-of-function variants in FAT4 are known to be pathogenic (PMID: 24056717, 24913602). This variant is not present in population databases (gnomAD no frequency). This variant has not been reported in the literature in individuals affected with FAT4-related conditions. ClinVar contains an entry for this variant (Variation ID: 1457692). For these reasons, this variant has been classified as Pathogenic.

Literature cited by the submitters: PubMed 24056717; PubMed 24913602.

NM_001291303.3(FAT4):c.835G>T (p.Glu279Ter)

Gene: FAT4 (FAT atypical cadherin 4; plus strand). Cytogenetic location: 4q28.1.
Variant type: single nucleotide variant.
Coding change: c.835G>T on transcript NM_001291303.3 (MANE Select); coding-DNA position 835, G replaced by T.
Protein change: p.Glu279Ter; replaces glutamic acid 279 with a stop codon.
Molecular consequence: nonsense.
Genome position (GRCh38, 1-based): chr4:125,317,246, G>T. VCF-style: chr4-125317246-G-T. GRCh37 (hg19) VCF-style: chr4-126238401-G-T.
Other names: c.835G>T, p.Glu279Ter (NM_001291285.3, NM_024582.6); short protein forms E279*.
Identifiers: ClinVar variation 1457692 (VCV001457692.6), dbSNP rs373298045, ClinGen allele CA358116633.